The following is an entry in ClinVar:

ClinVar aggregate classification (germline): Uncertain significance. Review status: criteria provided, multiple submitters, no conflicts (2 of 4 stars). 5 submissions from 5 submitters: Uncertain significance (5). Last evaluated 2024-11-18.

Conditions:
Familial cancer of breast. Also called: hereditary breast carcinoma; BREAST CANCER, FAMILIAL; Hereditary breast cancer. Identifiers: Orphanet 227535, MedGen C0346153, MONDO:0016419, OMIM 114480. Disease mechanism: loss of function.
Hereditary cancer-predisposing syndrome. Also called: Neoplastic Syndromes, Hereditary; Tumor predisposition; Hereditary neoplastic syndrome; Hereditary Cancer Syndrome. Identifiers: Orphanet 140162, MedGen C0027672, MeSH D009386, MONDO:0015356.
CHEK2-related cancer predisposition (TPDS4). Also called: TUMOR PREDISPOSITION SYNDROME 4; CANCER PREDISPOSITION SYNDROME, CHEK2-RELATED; CHEK2-related cancer susceptibility. Identifiers: Orphanet 524, MedGen C5882668, MONDO:0700271, OMIM 609265.

Allele frequency attached by ClinVar (database versions not stated): gnomAD exomes below 0.00001; TOPMed 0.00001.
gnomAD v4.1: 1 of 1,613,716 alleles (0.000062%); highest among the groups gnomAD compares: Non-Finnish European, 0.000085%; no homozygotes.

Submissions (5):

Labcorp Genetics (formerly Invitae), Labcorp
Classification: Uncertain significance for Familial cancer of breast. Last evaluated: 2024-11-18. Review status: criteria provided, single submitter. Criteria: Invitae Variant Classification Sherloc (09022015). Collection method: clinical testing. Allele origin: germline.
Comment: This sequence change replaces alanine, which is neutral and non-polar, with valine, which is neutral and non-polar, at codon 402 of the CHEK2 protein (p.Ala402Val). This variant is not present in population databases (gnomAD no frequency). This variant has not been reported in the literature in individuals affected with CHEK2-related conditions. ClinVar contains an entry for this variant (Variation ID: 643349). An algorithm developed to predict the effect of missense changes on protein structure and function (PolyPhen-2) suggests that this variant is likely to be tolerated. In summary, the available evidence is currently insufficient to determine the role of this variant in disease. Therefore, it has been classified as a Variant of Uncertain Significance.

Ambry Genetics
Classification: Uncertain significance for Hereditary cancer-predisposing syndrome. Last evaluated: 2023-11-02. Review status: criteria provided, single submitter. Criteria: Ambry Variant Classification Scheme 2023. Collection method: clinical testing. Allele origin: germline.
Comment: The p.A402V variant (also known as c.1205C>T), located in coding exon 10 of the CHEK2 gene, results from a C to T substitution at nucleotide position 1205. The alanine at codon 402 is replaced by valine, an amino acid with similar properties. This alteration was reported as functional in a study assessing CHEK2-complementation through quantification of KAP1 phosphorylation and CHK2 autophosphorylation in human RPE1-CHEK2-knockout cells (Stolarova L et al. Clin Cancer Res, 2023 Aug;29:3037-3050). This amino acid position is not well conserved in available vertebrate species. In addition, this alteration is predicted to be tolerated by in silico analysis. Since supporting evidence is limited at this time, the clinical significance of this alteration remains unclear.

Baylor Genetics
Classification: Uncertain significance for Familial cancer of breast. Last evaluated: 2023-05-11. Review status: criteria provided, single submitter. Criteria: ACMG Guidelines, 2015. Collection method: clinical testing. Allele origin: unknown.

Department of Pathology and Laboratory Medicine, Sinai Health System
Classification: Uncertain significance for CHEK2-related cancer predisposition. Last evaluated: 2022-06-27. Review status: criteria provided, single submitter. Criteria: ACMG Guidelines, 2015. Collection method: clinical testing. Allele origin: germline. Affected: yes.

Color Diagnostics, LLC DBA Color Health
Classification: Uncertain significance for Hereditary cancer-predisposing syndrome. Last evaluated: 2020-08-24. Review status: criteria provided, single submitter. Criteria: ACMG Guidelines, 2015. Collection method: clinical testing. Allele origin: germline.
Comment: This missense variant replaces alanine with valine at codon 402 of the CHEK2 protein. Computational prediction suggests that this variant may not impact protein structure and function (internally defined REVEL score threshold <= 0.5, PMID: 27666373). To our knowledge, functional studies have not been reported for this variant. A similar variant (1205_1206delinsCT, p.Ala402Val) has been reported in individuals affected with breast cancer in the literature (PMID: 31882575). This variant has not been identified in the general population by the Genome Aggregation Database (gnomAD). The available evidence is insufficient to determine the role of this variant in disease conclusively. Therefore, this variant is classified as a Variant of Uncertain Significance.

Literature cited by the submitters: PubMed 37449874 (cited by Ambry Genetics).

NM_007194.4(CHEK2):c.1205C>T (p.Ala402Val)

Gene: CHEK2 (checkpoint kinase 2; minus strand). Cytogenetic location: 22q12.1.
Variant type: single nucleotide variant.
Coding change: c.1205C>T on transcript NM_007194.4 (MANE Select); coding-DNA position 1205, C replaced by T.
Protein change: p.Ala402Val; replaces alanine 402 with valine.
Molecular consequence: missense variant.
Genome position (GRCh38, 1-based): chr22:28,695,764, G>A on the plus strand (C>T on the coding strand, the complement: CHEK2 is on the minus strand). VCF-style: chr22-28695764-G-A. GRCh37 (hg19) VCF-style: chr22-29091752-G-A.
Other names: c.1334C>T, p.Ala445Val (NM_001005735.3); c.542C>T, p.Ala181Val (NM_001257387.3); c.1004C>T, p.Ala335Val (NM_001349956.3); c.1118C>T, p.Ala373Val (NM_145862.3); short protein forms A181V, A335V, A402V, A373V, A445V.
Identifiers: ClinVar variation 643349 (VCV000643349.16), dbSNP rs1175088679, ClinGen allele CA411096752.
Genomic context (GRCh38, chr22:28,695,764, plus strand): 5'-TCTTACCAGATAAAAAGAATAACTCCTAAACTCCAGCAGTCCACAGCACGGTTATACCCA[G>A]CAGTCCCAACAGAAACAAGAACTTCAGGCGCCAAGTAGGTGGGGGTTCCACATAAGGTTC-3'
Protein context (NP_009125.1, residues 392-412): APEVLVSVGT[Ala402Val]GYNRAVDCWS